The following is an entry in ClinVar:

NM_001099274.3(TINF2):c.1267C>T (p.Pro423Ser)

Gene: TINF2 (TERF1 interacting nuclear factor 2; minus strand). Cytogenetic location: 14q12.
Variant type: single nucleotide variant.
Coding change: c.1267C>T on transcript NM_001099274.3 (MANE Select); coding-DNA position 1267, C replaced by T.
Protein change: p.Pro423Ser; replaces proline 423 with serine.
Molecular consequence: missense variant. On other transcripts: 3 prime UTR variant (1).
Genome position (GRCh38, 1-based): chr14:24,239,886, G>A on the plus strand (C>T on the coding strand, the complement: TINF2 is on the minus strand). VCF-style: chr14-24239886-G-A. GRCh37 (hg19) VCF-style: chr14-24709092-G-A.
Other names: c.1162C>T, p.Pro388Ser (NM_001363668.2); c.*529C>T (NM_012461.3); c.1267C>T (NM_001099274.1); short protein forms P388S, P423S.
Identifiers: ClinVar variation 1996491 (VCV001996491.5), dbSNP rs1251109439, ClinGen allele CA389219964.
Genomic context (GRCh38, chr14:24,239,886, plus strand): 5'-CACAGGAAGAAACAGGTATGGCACCGTGGCCAGAAGGGGGTAGGTATTCACAGAGAGTGG[G>A]TATCAAGGTGTCAAACTTTGTCTTCTGATAGTTTTCCAGAGATTCCTGTAGAGAAGGGAG-3'
Protein context (NP_001092744.1, residues 413-433): YQKTKFDTLI[Pro423Ser]TLCEYLPPSG

ClinVar aggregate classification (germline): Uncertain significance. Review status: criteria provided, multiple submitters, no conflicts (2 of 4 stars). 2 submissions from 2 submitters: Uncertain significance (2). Last evaluated 2025-06-16.

Conditions:
Dyskeratosis congenita. Identifiers: Orphanet 1775, MedGen C0265965, MONDO:0015780.
TINF2-related disorder. Also called: TINF2-related condition.

Allele frequency attached by ClinVar (database versions not stated): gnomAD 0.00001; TOPMed 0.00001.

Submissions (2):

PreventionGenetics, part of Exact Sciences
Classification: Uncertain significance for TINF2-related condition. Last evaluated: 2025-06-16. Review status: criteria provided, single submitter. Criteria: ACMG Guidelines, 2015. Collection method: clinical testing. Allele origin: germline.
Comment: The TINF2 c.1267C>T variant is predicted to result in the amino acid substitution p.Pro423Ser. To our knowledge, this variant has not been reported in the literature or in a large population database (gnomAD), indicating this variant is rare. At this time, the clinical significance of this variant is uncertain due to the absence of conclusive functional and genetic evidence.

Labcorp Genetics (formerly Invitae), Labcorp
Classification: Uncertain significance for Dyskeratosis congenita. Last evaluated: 2025-06-02. Review status: criteria provided, single submitter. Criteria: Invitae Variant Classification Sherloc (09022015). Collection method: clinical testing. Allele origin: germline.
Comment: This sequence change replaces proline, which is neutral and non-polar, with serine, which is neutral and polar, at codon 423 of the TINF2 protein (p.Pro423Ser). This variant is not present in population databases (gnomAD no frequency). This variant has not been reported in the literature in individuals affected with TINF2-related conditions. ClinVar contains an entry for this variant (Variation ID: 1996491). An algorithm developed to predict the effect of missense changes on protein structure and function (PolyPhen-2) suggests that this variant is likely to be disruptive. In summary, the available evidence is currently insufficient to determine the role of this variant in disease. Therefore, it has been classified as a Variant of Uncertain Significance.